The following is an entry in ClinVar:

NM_000222.3(KIT):c.71C>G (p.Ser24Cys)

Gene: KIT (KIT proto-oncogene, receptor tyrosine kinase; plus strand). Cytogenetic location: 4q12.
Variant type: single nucleotide variant.
Coding change: c.71C>G on transcript NM_000222.3 (MANE Select); coding-DNA position 71, C replaced by G.
Protein change: p.Ser24Cys; replaces serine 24 with cysteine.
Molecular consequence: missense variant.
Genome position (GRCh38, 1-based): chr4:54,695,515, C>G. VCF-style: chr4-54695515-C-G. GRCh37 (hg19) VCF-style: chr4-55561681-C-G.
Other names: c.71C>G, p.Ser24Cys (NM_001093772.2, NM_001385284.1, NM_001385285.1 and 4 more transcripts); short protein forms S24C.
Identifiers: ClinVar variation 664537 (VCV000664537.12), dbSNP rs1577952322, ClinGen allele CA356896788.

ClinVar aggregate classification (germline): Conflicting classifications of pathogenicity. Review status: criteria provided, conflicting classifications (1 of 4 stars). 2 submissions from 2 submitters: Uncertain significance (1); Likely benign (1). Last evaluated 2025-07-22.

Conditions:
Gastrointestinal stromal tumor. Also called: Gastrointestinal stromal tumor, somatic; Gastrointestinal stroma tumor. Identifiers: Orphanet 44890, MedGen C0238198, MeSH D046152, MONDO:0011719, OMIM 606764, HP:0100723.
Hereditary cancer-predisposing syndrome. Also called: Neoplastic Syndromes, Hereditary; Tumor predisposition; Hereditary Cancer Syndrome; Hereditary neoplastic syndrome. Identifiers: Orphanet 140162, MedGen C0027672, MeSH D009386, MONDO:0015356.

Allele frequency attached by ClinVar (database versions not stated): gnomAD exomes below 0.00001.
gnomAD v4.1: 1 of 1,614,168 alleles (0.000062%); highest among the groups gnomAD compares: Non-Finnish European, 0.000085%; no homozygotes.

Submissions (2):

Ambry Genetics
Classification: Likely benign for Hereditary cancer-predisposing syndrome. Last evaluated: 2025-07-22. Review status: criteria provided, single submitter. Criteria: Ambry Variant Classification Scheme 2023. Collection method: clinical testing. Allele origin: germline.

Labcorp Genetics (formerly Invitae), Labcorp
Classification: Uncertain significance for Gastrointestinal stromal tumor. Last evaluated: 2023-03-24. Review status: criteria provided, single submitter. Criteria: Invitae Variant Classification Sherloc (09022015). Collection method: clinical testing. Allele origin: germline.
Comment: This variant has not been reported in the literature in individuals affected with KIT-related conditions. ClinVar contains an entry for this variant (Variation ID: 664537). An algorithm developed to predict the effect of missense changes on protein structure and function (PolyPhen-2) suggests that this variant is likely to be disruptive. In summary, the available evidence is currently insufficient to determine the role of this variant in disease. Therefore, it has been classified as a Variant of Uncertain Significance. This variant is not present in population databases (gnomAD no frequency). This sequence change replaces serine, which is neutral and polar, with cysteine, which is neutral and slightly polar, at codon 24 of the KIT protein (p.Ser24Cys).